The following is an entry in ClinVar:

NM_004380.3(CREBBP):c.4996G>A (p.Ala1666Thr)

Gene: CREBBP (CREB binding lysine acetyltransferase; minus strand). Cytogenetic location: 16p13.3.
Variant type: single nucleotide variant.
Coding change: c.4996G>A on transcript NM_004380.3 (MANE Select); coding-DNA position 4996, G replaced by A.
Protein change: p.Ala1666Thr; replaces alanine 1666 with threonine.
Molecular consequence: missense variant.
Genome position (GRCh38, 1-based): chr16:3,731,368, C>T on the plus strand (G>A on the coding strand, the complement: CREBBP is on the minus strand). VCF-style: chr16-3731368-C-T. GRCh37 (hg19) VCF-style: chr16-3781369-C-T.
Other names: c.4882G>A, p.Ala1628Thr (NM_001079846.1); short protein forms A1628T, A1666T.
Identifiers: ClinVar variation 2058685 (VCV002058685.4), dbSNP rs1159046430, ClinGen allele CA394558729.

ClinVar aggregate classification (germline): Uncertain significance (1 of 4 stars; one submission).

Conditions:
Rubinstein-Taybi syndrome (RSTS). Identifiers: Orphanet 783, MedGen C0035934, MONDO:0019188.

Allele frequency attached by ClinVar (database versions not stated): gnomAD exomes 0.00001.
gnomAD v4.1: 7 of 1,612,896 alleles (0.00043%); highest among the groups gnomAD compares: Admixed American, 0.0033%; no homozygotes.

Submission:

Labcorp Genetics (formerly Invitae), Labcorp
Classification: Uncertain significance for Rubinstein-Taybi syndrome. Last evaluated: 2022-09-17. Review status: criteria provided, single submitter. Criteria: Invitae Variant Classification Sherloc (09022015). Collection method: clinical testing. Allele origin: germline.
Comment: This variant has not been reported in the literature in individuals affected with CREBBP-related conditions. In summary, the available evidence is currently insufficient to determine the role of this variant in disease. Therefore, it has been classified as a Variant of Uncertain Significance. Advanced modeling of protein sequence and biophysical properties (such as structural, functional, and spatial information, amino acid conservation, physicochemical variation, residue mobility, and thermodynamic stability) performed at Invitae indicates that this missense variant is expected to disrupt CREBBP protein function. This variant is present in population databases (no rsID available, gnomAD 0.003%). This sequence change replaces alanine, which is neutral and non-polar, with threonine, which is neutral and polar, at codon 1666 of the CREBBP protein (p.Ala1666Thr).